The following is an entry in ClinVar:

NM_003737.4(DCHS1):c.1690G>A (p.Val564Ile)

Gene: DCHS1 (dachsous cadherin-related 1; minus strand). Cytogenetic location: 11p15.4.
Variant type: single nucleotide variant.
Coding change: c.1690G>A on transcript NM_003737.4 (MANE Select); coding-DNA position 1690, G replaced by A.
Protein change: p.Val564Ile; replaces valine 564 with isoleucine.
Molecular consequence: missense variant.
Genome position (GRCh38, 1-based): chr11:6,639,924, C>T on the plus strand (G>A on the coding strand, the complement: DCHS1 is on the minus strand). VCF-style: chr11-6639924-C-T. GRCh37 (hg19) VCF-style: chr11-6661155-C-T.
Other names: short protein forms V564I.
Identifiers: ClinVar variation 2959257 (VCV002959257.3), dbSNP rs945496630, ClinGen allele CA217302553.

ClinVar aggregate classification (germline): Uncertain significance (1 of 4 stars; one submission).

Allele frequency attached by ClinVar (database versions not stated): gnomAD 0.00002; TOPMed 0.00003; gnomAD exomes 0.00001.
gnomAD v4.1: 11 of 1,613,938 alleles (0.00068%); highest among the groups gnomAD compares: Middle Eastern, 0.033%; no homozygotes.

Submission:

Labcorp Genetics (formerly Invitae), Labcorp
Classification: Uncertain significance. Last evaluated: 2025-03-24. Review status: criteria provided, single submitter. Criteria: Invitae Variant Classification Sherloc (09022015). Collection method: clinical testing. Allele origin: germline.
Comment: This sequence change replaces valine, which is neutral and non-polar, with isoleucine, which is neutral and non-polar, at codon 564 of the DCHS1 protein (p.Val564Ile). This variant is present in population databases (no rsID available, gnomAD 0.003%). This variant has not been reported in the literature in individuals affected with DCHS1-related conditions. ClinVar contains an entry for this variant (Variation ID: 2959257). Invitae Evidence Modeling of protein sequence and biophysical properties (such as structural, functional, and spatial information, amino acid conservation, physicochemical variation, residue mobility, and thermodynamic stability) indicates that this missense variant is expected to disrupt DCHS1 protein function with a positive predictive value of 80%. In summary, the available evidence is currently insufficient to determine the role of this variant in disease. Therefore, it has been classified as a Variant of Uncertain Significance.